The following is an entry in ClinVar:

NM_001127898.4(CLCN5):c.1726G>A (p.Gly576Arg)

Gene: CLCN5 (Cl-/H+ antiporter 5; plus strand). Cytogenetic location: Xp11.23.
Variant type: single nucleotide variant.
Coding change: c.1726G>A on transcript NM_001127898.4 (MANE Select); coding-DNA position 1726, G replaced by A.
Protein change: p.Gly576Arg; replaces glycine 576 with arginine.
Molecular consequence: missense variant. On other transcripts: non-coding transcript variant (1).
Genome position (GRCh38, 1-based): chrX:50,088,866, G>A. VCF-style: chrX-50088866-G-A. GRCh37 (hg19) VCF-style: chrX-49853523-G-A.
Other names: c.1516G>A, p.Gly506Arg (NM_000084.5); c.1726G>A, p.Gly576Arg (NM_001127899.4); c.1576G>A, p.Gly526Arg (NM_001282163.2); c.1738G>A, p.Gly580Arg (NM_001440756.1, NM_001440757.1); short protein forms G506R, G526R, G576R, G580R.
Identifiers: ClinVar variation 4526845 (VCV004526845.1).
Genomic context (GRCh38, chrX:50,088,866, plus strand): 5'-TTCAATAGCTGGTGTAGTCAGGGAGCTGATTGCATCACCCCCGGCCTTTATGCAATGGTT[G>A]GGGCTGCAGCCTGCTTAGGTGAGTAGTGTTTGCATTAATTTCAAGTTGCTACCCAGGTGA-3'
Protein context (NP_001121370.1, residues 566-586): CITPGLYAMV[Gly576Arg]AAACLGGVTR

ClinVar aggregate classification (germline): Pathogenic (1 of 4 stars; one submission).

Conditions:
Hypophosphatemic rickets, X-linked recessive (XLHRR). Identifiers: Orphanet 1652, Orphanet 93622, MedGen C1845168, MONDO:0010358, OMIM 300554.
Proteinuria, low molecular weight, with hypercalciuria and nephrocalcinosis. Identifiers: Orphanet 1652, Orphanet 93622, MedGen C1839874, MONDO:0010644, OMIM 308990.
Dent disease type 1 (DENT1). Also called: NEPHROLITHIASIS 2; NEPHROLITHIASIS, HYPERCALCIURIC, X-LINKED. Identifiers: Orphanet 1652, Orphanet 93622, MedGen C1848336, MONDO:0010225, OMIM 300009.
X-linked recessive nephrolithiasis with renal failure (XRN). Also called: NEPHROLITHIASIS 1; NEPHROLITHIASIS, X-LINKED RECESSIVE, TYPE 1; UROLITHIASIS, X-LINKED RECESSIVE, TYPE 1. Identifiers: Orphanet 1652, Orphanet 93622, MedGen C0403720, MONDO:0010687, OMIM 310468.

Submission:

Rare Kidney Stone Consortium and the Mayo Clinic Hyperoxaluria Center, Mayo Clinic
Classification: Pathogenic for Dent disease type 1; Hypophosphatemic rickets, X-linked recessive; X-linked recessive nephrolithiasis with renal failure; Proteinuria, low molecular weight, with hypercalciuria and nephrocalcinosis. Last evaluated: 2025-10-03. Review status: criteria provided, single submitter. Criteria: ACMG Guidelines, 2015. Collection method: research. Allele origin: germline. Affected: yes. Observed: 1 variant allele.
Comment: ACMG:PP1-S, PM1, PM2, PP3, PP4

Literature cited by the submitters: PubMed 15125028; PubMed 24081861; PubMed 40794449.